The following is an entry in ClinVar:

ClinVar aggregate classification (germline): Uncertain significance (1 of 4 stars; one submission).

Conditions:
Hereditary cancer-predisposing syndrome. Also called: Neoplastic Syndromes, Hereditary; Tumor predisposition; Hereditary Cancer Syndrome; Hereditary neoplastic syndrome. Identifiers: Orphanet 140162, MedGen C0027672, MeSH D009386, MONDO:0015356.

Submission:

Ambry Genetics
Classification: Uncertain significance for Hereditary cancer-predisposing syndrome. Last evaluated: 2024-08-07. Review status: criteria provided, single submitter. Criteria: Ambry Variant Classification Scheme 2023. Collection method: clinical testing. Allele origin: germline.
Comment: The p.H88P variant (also known as c.263A>C), located in coding exon 4 of the PMS2 gene, results from an A to C substitution at nucleotide position 263. The histidine at codon 88 is replaced by proline, an amino acid with similar properties. This amino acid position is conserved. In addition, this alteration is predicted to be deleterious by in silico analysis. Based on the available evidence, the clinical significance of this variant remains unclear.

NM_000535.7(PMS2):c.263A>C (p.His88Pro)

Gene: PMS2 (PMS1 homolog 2, mismatch repair system component; minus strand). Cytogenetic location: 7p22.1.
Variant type: single nucleotide variant.
Coding change: c.263A>C on transcript NM_000535.7 (MANE Select); coding-DNA position 263, A replaced by C.
Protein change: p.His88Pro; replaces histidine 88 with proline.
Molecular consequence: missense variant. On other transcripts: 5 prime UTR variant (35), non-coding transcript variant (1), intron variant (11).
Genome position (GRCh38, 1-based): chr7:6,003,780, T>G on the plus strand (A>C on the coding strand, the complement: PMS2 is on the minus strand). VCF-style: chr7-6003780-T-G. GRCh37 (hg19) VCF-style: chr7-6043411-T-G.
Other names: c.-143A>C (NM_001322003.2, NM_001322004.2, NM_001322005.2 and 13 more transcripts); c.263A>C, p.His88Pro (NM_001322006.2, NM_001322014.2, NM_001406869.1 and 8 more transcripts); c.-622A>C (NM_001322011.2, NM_001322012.2); c.-222A>C (NM_001322015.2, NM_001406875.1, NM_001406877.1 and 3 more transcripts); c.449A>C, p.His150Pro (NM_001406866.1); c.287A>C, p.His96Pro (NM_001406868.1); c.-169A>C (NM_001406880.1); c.-90A>C (NM_001406888.1, NM_001406889.1, NM_001406892.1 and 6 more transcripts); and 5 more; short protein forms H96P, H150P, H88P.
Identifiers: ClinVar variation 3421486 (VCV003421486.1).